The following is an entry in ClinVar:

NM_152383.5(DIS3L2):c.2076T>C (p.Asn692=)

Gene: DIS3L2 (DIS3 like 3'-5' exoribonuclease 2; plus strand). Cytogenetic location: 2q37.1.
Variant type: single nucleotide variant.
Coding change: c.2076T>C on transcript NM_152383.5 (MANE Select); coding-DNA position 2076, T replaced by C.
Protein change: p.Asn692=; no amino-acid change (asparagine 692 retained).
Molecular consequence: synonymous variant. On other transcripts: non-coding transcript variant (2), intron variant (1).
Genome position (GRCh38, 1-based): chr2:232,333,905, T>C. VCF-style: chr2-232333905-T-C. GRCh37 (hg19) VCF-style: chr2-233198615-T-C.
Other names: c.1582-9440T>C (NM_001257281.2); c.2076T>C (NM_152383.4).
Identifiers: ClinVar variation 1112674 (VCV001112674.11), dbSNP rs767082193, ClinGen allele CA2164390.

ClinVar aggregate classification (germline): Likely benign. Review status: criteria provided, single submitter (1 of 4 stars). 2 submissions from 2 submitters: Likely benign (1). 1 of the submissions does not count toward it. Last evaluated 2025-08-31.

Conditions:
DIS3L2-related disorder. Also called: DIS3L2-related condition.
Perlman syndrome (PRLMNS). Identifiers: Orphanet 2849, MedGen C0796113, MONDO:0009965, OMIM 267000.

Allele frequency attached by ClinVar (database versions not stated): gnomAD exomes below 0.00001; TOPMed below 0.00001; ExAC 0.00001; gnomAD 0.00001.
gnomAD v4.1: 2 of 1,612,806 alleles (0.00012%); highest among the groups gnomAD compares: Admixed American, 0.0017%; no homozygotes.

Submissions (2):

Labcorp Genetics (formerly Invitae), Labcorp
Classification: Likely benign for Perlman syndrome. Last evaluated: 2025-08-31. Review status: criteria provided, single submitter. Criteria: Invitae Variant Classification Sherloc (09022015). Collection method: clinical testing. Allele origin: germline.

PreventionGenetics, part of Exact Sciences
Classification: Likely benign for DIS3L2-related condition. Last evaluated: 2019-06-06. Review status: no assertion criteria provided. Collection method: clinical testing. Allele origin: germline. Not counted in ClinVar's aggregate classification.
Comment: This variant is classified as likely benign based on ACMG/AMP sequence variant interpretation guidelines (Richards et al. 2015 PMID: 25741868, with internal and published modifications).